The following is an entry in ClinVar:

NM_000352.6(ABCC8):c.4288del (p.Leu1430fs)

Gene: ABCC8 (ATP binding cassette subfamily C member 8; minus strand). Cytogenetic location: 11p15.1.
Variant type: Deletion.
Coding change: c.4288del on transcript NM_000352.6 (MANE Select); coding-DNA position 4288, one base deleted (C; older notation c.4288delC).
Protein change: p.Leu1430fs; shifts the reading frame from leucine 1430.
Molecular consequence: frameshift variant. On other transcripts: non-coding transcript variant (1).
Genome position (GRCh38, 1-based): chr11:17,395,629, G deleted on the plus strand (C on the coding strand, the reverse complement: ABCC8 is on the minus strand); the first of 2 consecutive G bases (chr11:17,395,629-17,395,630); deleting either gives the same sequence. VCF-style (leftmost placement, unchanged base first): chr11-17395628-AG-A. GRCh37 (hg19) VCF-style: chr11-17417175-AG-A.
Other names: c.4291del, p.Leu1431fs (NM_001287174.3); c.4354del, p.Leu1452fs (NM_001351295.2); c.4288del, p.Leu1430fs (NM_001351296.2); c.4285del, p.Leu1429fs (NM_001351297.2); short protein forms L1429fs, L1430fs, L1431fs, L1452fs.
Identifiers: ClinVar variation 1098777 (VCV001098777.2), dbSNP rs2133400786, ClinGen allele CA2499220822.

ClinVar aggregate classification (germline): Pathogenic/Likely pathogenic. Review status: criteria provided, multiple submitters, no conflicts (2 of 4 stars). 2 submissions from 2 submitters: Pathogenic (1); Likely pathogenic (1). Last evaluated 2024-02-27.

Conditions:
Type 2 diabetes mellitus. Also called: Type II diabetes mellitus. Identifiers: MedGen C0011860, MeSH D003924, MONDO:0005148, OMIM 125853, HP:0005978.
Familial hyperinsulinism. Also called: Congenital hyperinsulinism. Identifiers: Orphanet 276525, MedGen C3888018, MONDO:0017182. Disease mechanism: loss of function.

Submissions (2):

Baylor Genetics
Classification: Pathogenic for Type 2 diabetes mellitus. Last evaluated: 2024-02-27. Review status: criteria provided, single submitter. Criteria: ACMG Guidelines, 2015. Collection method: clinical testing. Allele origin: unknown.

Women's Health and Genetics/Laboratory Corporation of America, LabCorp
Classification: Likely pathogenic for Familial hyperinsulinism. Last evaluated: 2021-04-17. Review status: criteria provided, single submitter. Criteria: LabCorp Variant Classification Summary - May 2015. Collection method: clinical testing. Allele origin: germline.
Comment: Variant summary: ABCC8 c.4288delC (p.Leu1430SerfsX30) results in a premature termination codon, predicted to cause a truncation of the encoded protein or absence of the protein due to nonsense mediated decay, which are commonly known mechanisms for disease. Truncations downstream of this position have been classified as pathogenic by our laboratory. The variant was absent in 165416 control chromosomes. c.4288delC has been reported in the literature as a de-novo variant in at least one individual affected with diazoxide unresponsive Congenital Hyperinsulinism (example, Banerjee_2011). The parental origin of this de-novo variant was however not specified. To our knowledge, no experimental evidence demonstrating an impact on protein function has been reported. No clinical diagnostic laboratories have submitted clinical-significance assessments for this variant to ClinVar after 2014. Based on the evidence outlined above, the variant was classified as likely pathogenic.

Literature cited by the submitters: PubMed 21378087 (cited by Women's Health and Genetics/Laboratory Corporation of America, LabCorp).